The following is an entry in ClinVar:

ClinVar aggregate classification (germline): Uncertain significance (1 of 4 stars; one submission).

Submission:

Labcorp Genetics (formerly Invitae), Labcorp
Classification: Uncertain significance. Last evaluated: 2021-11-17. Review status: criteria provided, single submitter. Criteria: Invitae Variant Classification Sherloc (09022015). Collection method: clinical testing. Allele origin: germline.
Comment: In summary, the available evidence is currently insufficient to determine the role of this variant in disease. Therefore, it has been classified as a Variant of Uncertain Significance. Algorithms developed to predict the effect of missense changes on protein structure and function are either unavailable or do not agree on the potential impact of this missense change (SIFT: "Not Available"; PolyPhen-2: "Benign"; Align-GVGD: "Not Available"). This variant has not been reported in the literature in individuals affected with NUP160-related conditions. This variant is not present in population databases (gnomAD no frequency). This sequence change replaces methionine, which is neutral and non-polar, with lysine, which is basic and polar, at codon 701 of the NUP160 protein (p.Met701Lys).

NM_015231.3(NUP160):c.2000T>A (p.Met667Lys)

Gene: NUP160 (nucleoporin 160; minus strand). Cytogenetic location: 11p11.2.
Variant type: single nucleotide variant.
Coding change: c.2000T>A on transcript NM_015231.3 (MANE Select); coding-DNA position 2000, T replaced by A.
Protein change: p.Met667Lys; replaces methionine 667 with lysine.
Molecular consequence: missense variant. On other transcripts: non-coding transcript variant (1).
Genome position (GRCh38, 1-based): chr11:47,812,203, A>T on the plus strand (T>A on the coding strand, the complement: NUP160 is on the minus strand). VCF-style: chr11-47812203-A-T. GRCh37 (hg19) VCF-style: chr11-47833755-A-T.
Other names: short protein forms M667K.
Identifiers: ClinVar variation 1511103 (VCV001511103.6), dbSNP rs2135375054, ClinGen allele CA380381809.